The following is an entry in ClinVar:

NM_018713.3(SLC30A10):c.269C>T (p.Thr90Ile)

Gene: SLC30A10 (solute carrier family 30 member 10; minus strand). Cytogenetic location: 1q41.
Variant type: single nucleotide variant.
Coding change: c.269C>T on transcript NM_018713.3 (MANE Select); coding-DNA position 269, C replaced by T.
Protein change: p.Thr90Ile; replaces threonine 90 with isoleucine.
Molecular consequence: missense variant. On other transcripts: non-coding transcript variant (1), intron variant (1).
Genome position (GRCh38, 1-based): chr1:219,928,172, G>A on the plus strand (C>T on the coding strand, the complement: SLC30A10 is on the minus strand). VCF-style: chr1-219928172-G-A. GRCh37 (hg19) VCF-style: chr1-220101514-G-A.
Other names: c.452-1067C>T (NM_001376929.1); short protein forms T90I.
Identifiers: ClinVar variation 1174923 (VCV001174923.15), dbSNP rs554675480, ClinGen allele CA1399337.

ClinVar aggregate classification (germline): Uncertain significance. Review status: criteria provided, multiple submitters, no conflicts (2 of 4 stars). 6 submissions from 6 submitters: Uncertain significance (4). 2 of the submissions do not count toward it. Last evaluated 2026-04-01.

Conditions:
Inborn genetic diseases. Identifiers: MedGen C0950123, MeSH D030342.

Allele frequency attached by ClinVar (database versions not stated): gnomAD 0.00019 and 0.00022; gnomAD exomes 0.00019 and 0.00041; ExAC 0.00028; TOPMed 0.00063; 1000 Genomes Project 30x 0.00094; 1000 Genomes Project 0.00100.
gnomAD v4.1: 342 of 1,559,910 alleles (0.022%); highest among the groups gnomAD compares: Middle Eastern, 0.25%; no homozygotes.

Submissions (6):

CeGaT Center for Human Genetics Tuebingen
Classification: Uncertain significance. Last evaluated: 2026-04-01. Review status: criteria provided, single submitter. Criteria: CeGaT Center For Human Genetics Tuebingen Variant Classification Criteria Version 2. Collection method: clinical testing. Allele origin: germline. Affected: yes. Observed: 1 variant allele.
Comment: SLC30A10: PM2

GeneDx
Classification: Uncertain significance. Last evaluated: 2025-11-21. Review status: criteria provided, single submitter. Criteria: GeneDx Variant Classification Process June 2021. Collection method: clinical testing. Allele origin: germline. Affected: yes.
Comment: In silico analysis suggests that this missense variant does not alter protein structure/function; Has not been previously published as pathogenic or benign to our knowledge

Labcorp Genetics (formerly Invitae), Labcorp
Classification: Uncertain significance. Last evaluated: 2024-01-24. Review status: criteria provided, single submitter. Criteria: Invitae Variant Classification Sherloc (09022015). Collection method: clinical testing. Allele origin: germline.
Comment: This sequence change replaces threonine, which is neutral and polar, with isoleucine, which is neutral and non-polar, at codon 90 of the SLC30A10 protein (p.Thr90Ile). This variant is present in population databases (rs554675480, gnomAD 0.1%). This variant has not been reported in the literature in individuals affected with SLC30A10-related conditions. ClinVar contains an entry for this variant (Variation ID: 1174923). Advanced modeling of protein sequence and biophysical properties (such as structural, functional, and spatial information, amino acid conservation, physicochemical variation, residue mobility, and thermodynamic stability) performed at Invitae indicates that this missense variant is not expected to disrupt SLC30A10 protein function with a negative predictive value of 80%. In summary, the available evidence is currently insufficient to determine the role of this variant in disease. Therefore, it has been classified as a Variant of Uncertain Significance.

Ambry Genetics
Classification: Uncertain significance for Inborn genetic diseases. Last evaluated: 2021-10-12. Review status: criteria provided, single submitter. Criteria: Ambry Variant Classification Scheme 2023. Collection method: clinical testing. Allele origin: germline.

Clinical Genetics DNA and cytogenetics Diagnostics Lab, Erasmus MC, Erasmus Medical Center
Classification: Likely benign. Review status: no assertion criteria provided. Collection method: clinical testing. Allele origin: germline. Affected: yes. Study: VKGL Data-share Consensus. Not counted in ClinVar's aggregate classification.

Diagnostic Laboratory, Department of Genetics, University Medical Center Groningen
Classification: Likely benign. Review status: no assertion criteria provided. Collection method: clinical testing. Allele origin: germline. Affected: yes. Study: VKGL Data-share Consensus. Not counted in ClinVar's aggregate classification.